The following is an entry in ClinVar:

ClinVar aggregate classification (germline): Uncertain significance (1 of 4 stars; one submission).

Conditions:
Deafness-lymphedema-leukemia syndrome. Also called: Emberger syndrome; Lymphedema, primary, with myelodysplasia. Identifiers: Orphanet 3226, MedGen C3279664, MONDO:0013540, OMIM 614038.
Monocytopenia with susceptibility to infections. Also called: IMMUNODEFICIENCY 21; GATA2 DEFICIENCY; MONOCYTOPENIA AND MYCOBACTERIAL INFECTION SYNDROME; MONOCYTOPENIA WITH SUSCEPTIBILITY TO MYCOBACTERIAL, FUNGAL, AND PAPILLOMAVIRUS INFECTIONS AND MYELODYSPLASIA; COMBINED IMMUNODEFICIENCY WITH SUSCEPTIBILITY TO MYCOBACTERIAL, VIRAL, AND FUNGAL INFECTIONS; Dendritic cell, monocyte, B lymphocyte, and natural killer lymphocyte deficiency. Identifiers: Orphanet 228423, MedGen C3280030, MONDO:0013607, OMIM 614172.

gnomAD v4.1: 1 of 1,602,820 alleles (0.000062%); highest among the groups gnomAD compares: South Asian, 0.0011%; no homozygotes.

Submission:

Labcorp Genetics (formerly Invitae), Labcorp
Classification: Uncertain significance for Monocytopenia with susceptibility to infections; Deafness-lymphedema-leukemia syndrome. Last evaluated: 2026-01-27. Review status: criteria provided, single submitter. Criteria: Invitae Variant Classification Sherloc (09022015). Collection method: clinical testing. Allele origin: germline.
Comment: This sequence change replaces alanine, which is neutral and non-polar, with glycine, which is neutral and non-polar, at codon 75 of the GATA2 protein (p.Ala75Gly). This variant is not present in population databases (gnomAD no frequency). This variant has not been reported in the literature in individuals affected with GATA2-related conditions. ClinVar contains an entry for this variant (Variation ID: 577911). Invitae Evidence Modeling of protein sequence and biophysical properties (such as structural, functional, and spatial information, amino acid conservation, physicochemical variation, residue mobility, and thermodynamic stability) indicates that this missense variant is not expected to disrupt GATA2 protein function with a negative predictive value of 95%. In summary, the available evidence is currently insufficient to determine the role of this variant in disease. Therefore, it has been classified as a Variant of Uncertain Significance.

NM_032638.5(GATA2):c.224C>G (p.Ala75Gly)

Gene: GATA2 (GATA binding protein 2; minus strand). Cytogenetic location: 3q21.3.
Variant type: single nucleotide variant.
Coding change: c.224C>G on transcript NM_032638.5 (MANE Select); coding-DNA position 224, C replaced by G.
Protein change: p.Ala75Gly; replaces alanine 75 with glycine.
Molecular consequence: missense variant.
Genome position (GRCh38, 1-based): chr3:128,486,808, G>C on the plus strand (C>G on the coding strand, the complement: GATA2 is on the minus strand). VCF-style: chr3-128486808-G-C. GRCh37 (hg19) VCF-style: chr3-128205651-G-C.
Other names: c.224C>G, p.Ala75Gly (NM_001145661.2, NM_001145662.1); short protein forms A75G.
Identifiers: ClinVar variation 577911 (VCV000577911.8), dbSNP rs1559987952, ClinGen allele CA354408178.